The following is an entry in ClinVar:

ClinVar aggregate classification (germline): Conflicting classifications of pathogenicity. Review status: criteria provided, conflicting classifications (1 of 4 stars). 2 submissions from 2 submitters: Uncertain significance (1); Likely benign (1). Last evaluated 2025-11-13.

Conditions:
Inborn genetic diseases. Identifiers: MedGen C0950123, MeSH D030342.

Allele frequency attached by ClinVar (database versions not stated): gnomAD exomes 0.00001; gnomAD 0.00003; TOPMed 0.00005.
gnomAD v4.1: 19 of 1,590,370 alleles (0.0012%); highest among the groups gnomAD compares: African/African-American, 0.011%; no homozygotes.

Submissions (2):

Ambry Genetics
Classification: Likely benign for Inborn genetic diseases. Last evaluated: 2025-11-13. Review status: criteria provided, single submitter. Criteria: Ambry Variant Classification Scheme 2023. Collection method: clinical testing. Allele origin: germline.

GeneDx
Classification: Uncertain significance. Last evaluated: 2022-11-09. Review status: criteria provided, single submitter. Criteria: GeneDx Variant Classification Process June 2021. Collection method: clinical testing. Allele origin: germline. Affected: yes.
Comment: In silico analysis supports that this missense variant does not alter protein structure/function; Has not been previously published as pathogenic or benign to our knowledge

NM_138422.4(ADAT3):c.777C>A (p.Phe259Leu)

Genes: ADAT3 (adenosine deaminase tRNA specific 3; plus strand), SCAMP4 (secretory carrier membrane protein 4; plus strand). Cytogenetic location: 19p13.3.
Variant type: single nucleotide variant.
Coding change: c.777C>A on transcript NM_138422.4 (MANE Select); coding-DNA position 777, C replaced by A.
Protein change: p.Phe259Leu; replaces phenylalanine 259 with leucine.
Molecular consequence: missense variant. On other transcripts: intron variant (3).
Genome position (GRCh38, 1-based): chr19:1,912,824, C>A. VCF-style: chr19-1912824-C-A. GRCh37 (hg19) VCF-style: chr19-1912823-C-A.
Other names: c.729C>A, p.Phe243Leu (NM_001329533.2); c.-41-2155C>A (NM_079834.4, NM_001329540.2); c.-125-4870C>A (NM_001329539.2); c.729C>A (NM_138422.1); short protein forms F243L, F259L.
Identifiers: ClinVar variation 2502005 (VCV002502005.2), dbSNP rs921199964, ClinGen allele CA304119988.